The following is an entry in ClinVar:

ClinVar aggregate classification (germline): Pathogenic (1 of 4 stars; one submission).

Allele frequency attached by ClinVar (database versions not stated): TOPMed below 0.00001; gnomAD 0.00001; gnomAD exomes below 0.00001.

Submission:

Labcorp Genetics (formerly Invitae), Labcorp
Classification: Pathogenic. Last evaluated: 2025-10-24. Review status: criteria provided, single submitter. Criteria: Invitae Variant Classification Sherloc (09022015). Collection method: clinical testing. Allele origin: germline.
Comment: This sequence change creates a premature translational stop signal (p.Phe424Tyrfs*2) in the HPS5 gene. It is expected to result in an absent or disrupted protein product. Loss-of-function variants in HPS5 are known to be pathogenic (PMID: 12548288, 15296495, 21833017, 26785811). This variant is present in population databases (no rsID available, gnomAD 0.007%). This variant has not been reported in the literature in individuals affected with HPS5-related conditions. ClinVar contains an entry for this variant (Variation ID: 3020103). For these reasons, this variant has been classified as Pathogenic.

Literature cited by the submitters: PubMed 12548288; PubMed 15296495; PubMed 21833017; PubMed 26785811.

NM_181507.2(HPS5):c.1270_1271insA (p.Phe424fs)

Gene: HPS5 (HPS5 biogenesis of lysosomal organelles complex 2 subunit 2; minus strand). Cytogenetic location: 11p15.1.
Variant type: Insertion.
Coding change: c.1270_1271insA on transcript NM_181507.2 (MANE Select); coding-DNA positions 1270 to 1271, A inserted.
Protein change: p.Phe424fs; shifts the reading frame from phenylalanine 424.
Molecular consequence: frameshift variant.
Genome position: GRCh38 VCF-style: chr11-18297611-A-AT. GRCh37 (hg19) VCF-style: chr11-18319158-A-AT.
Other names: c.928_929insA, p.Phe310fs (NM_007216.4); c.928_929insA, p.Phe310Tyrfs (NM_181508.2); short protein forms F424fs, F310fs.
Identifiers: ClinVar variation 3020103 (VCV003020103.3), dbSNP rs1398145840, ClinGen allele CA597452752.